The following is an entry in ClinVar:

NM_015378.4(VPS13D):c.2117G>A (p.Arg706Gln)

Gene: VPS13D (vacuolar protein sorting 13 homolog D; plus strand). Cytogenetic location: 1p36.22.
Variant type: single nucleotide variant.
Coding change: c.2117G>A on transcript NM_015378.4 (MANE Select); coding-DNA position 2117, G replaced by A.
Protein change: p.Arg706Gln; replaces arginine 706 with glutamine.
Molecular consequence: missense variant.
Genome position (GRCh38, 1-based): chr1:12,273,016, G>A. VCF-style: chr1-12273016-G-A. GRCh37 (hg19) VCF-style: chr1-12333073-G-A.
Other names: c.2117G>A, p.Arg706Gln (NM_018156.4); short protein forms R706Q.
Identifiers: ClinVar variation 1915651 (VCV001915651.2), dbSNP rs753724852, ClinGen allele CA601749.
Genomic context (GRCh38, chr1:12,273,016, plus strand): 5'-CTGTTGGGTTTCGGCAGTTATGGTTAATGACTGTTTTATTTGTACAGGAGGAGAGTAAAC[G>A]ATGGACCGTGCGGCTGGATATTTCTGCCCCTCAGGTGATATTTCCTGATGATTTCAAATT-3'
Protein context (NP_056193.2, residues 696-716): LVGDFIEESK[Arg706Gln]WTVRLDISAP

ClinVar aggregate classification (germline): Uncertain significance (1 of 4 stars; one submission).

Allele frequency attached by ClinVar (database versions not stated): TOPMed below 0.00001; gnomAD 0.00001; gnomAD exomes 0.00001; ExAC 0.00003.
gnomAD v4.1: 9 of 1,613,904 alleles (0.00056%); highest among the groups gnomAD compares: Admixed American, 0.0033%; no homozygotes.

Submission:

Labcorp Genetics (formerly Invitae), Labcorp
Classification: Uncertain significance. Last evaluated: 2022-08-09. Review status: criteria provided, single submitter. Criteria: Invitae Variant Classification Sherloc (09022015). Collection method: clinical testing. Allele origin: germline.
Comment: This sequence change replaces arginine, which is basic and polar, with glutamine, which is neutral and polar, at codon 706 of the VPS13D protein (p.Arg706Gln). This variant is present in population databases (rs753724852, gnomAD 0.007%). This variant has not been reported in the literature in individuals affected with VPS13D-related conditions. Algorithms developed to predict the effect of missense changes on protein structure and function are either unavailable or do not agree on the potential impact of this missense change (SIFT: "Not Available"; PolyPhen-2: "Benign"; Align-GVGD: "Not Available"). In summary, the available evidence is currently insufficient to determine the role of this variant in disease. Therefore, it has been classified as a Variant of Uncertain Significance.